The following is an entry in ClinVar:

NM_004984.4(KIF5A):c.2304T>G (p.Phe768Leu)

Gene: KIF5A (kinesin family member 5A; plus strand). Cytogenetic location: 12q13.3.
Variant type: single nucleotide variant.
Coding change: c.2304T>G on transcript NM_004984.4 (MANE Select); coding-DNA position 2304, T replaced by G.
Protein change: p.Phe768Leu; replaces phenylalanine 768 with leucine.
Molecular consequence: missense variant.
Genome position (GRCh38, 1-based): chr12:57,577,716, T>G. VCF-style: chr12-57577716-T-G. GRCh37 (hg19) VCF-style: chr12-57971499-T-G.
Other names: c.2037T>G, p.Phe679Leu (NM_001354705.2); short protein forms F679L, F768L.
Identifiers: ClinVar variation 5010102 (VCV005010102.1).

ClinVar aggregate classification (germline): Uncertain significance (1 of 4 stars; one submission).

gnomAD v4.1: 2 of 1,613,574 alleles (0.00012%); highest among the groups gnomAD compares: Non-Finnish European, 0.000085%; no homozygotes.

Submission:

GeneDx
Classification: Uncertain significance. Last evaluated: 2026-02-27. Review status: criteria provided, single submitter. Criteria: GeneDx Variant Classification Process June 2021. Collection method: clinical testing. Allele origin: germline.
Comment: Not observed at significant frequency in large population cohorts (gnomAD); In silico analysis suggests that this missense variant does not alter protein structure/function; Has not been previously published as pathogenic or benign to our knowledge